The following is an entry in ClinVar:

NM_001006658.3(CR2):c.3176A>G (p.Lys1059Arg)

Gene: CR2 (complement C3d receptor 2; plus strand). Cytogenetic location: 1q32.2.
Variant type: single nucleotide variant.
Coding change: c.3176A>G on transcript NM_001006658.3 (MANE Select); coding-DNA position 3176, A replaced by G.
Protein change: p.Lys1059Arg; replaces lysine 1059 with arginine.
Molecular consequence: missense variant.
Genome position (GRCh38, 1-based): chr1:207,480,041, A>G. VCF-style: chr1-207480041-A-G. GRCh37 (hg19) VCF-style: chr1-207653386-A-G.
Other names: c.2999A>G, p.Lys1000Arg (NM_001877.5); short protein forms K1000R, K1059R.
Identifiers: ClinVar variation 2180781 (VCV002180781.5), dbSNP rs550610388, ClinGen allele CA1369164.

ClinVar aggregate classification (germline): Uncertain significance. Review status: criteria provided, multiple submitters, no conflicts (2 of 4 stars). 2 submissions from 2 submitters: Uncertain significance (2). Last evaluated 2024-04-12.

Conditions:
Immunodeficiency, common variable, 7. Identifiers: Orphanet 1572, Orphanet 696894, MedGen C3542922, MONDO:0013862, OMIM 614699.
Inborn genetic diseases. Identifiers: MedGen C0950123, MeSH D030342.

Allele frequency attached by ClinVar (database versions not stated): gnomAD 0.00001; TOPMed 0.00002; 1000 Genomes Project 30x 0.00016; ExAC 0.00002; gnomAD exomes 0.00001; 1000 Genomes Project 0.00020.

Submissions (2):

Ambry Genetics
Classification: Uncertain significance for Inborn genetic diseases. Last evaluated: 2024-04-12. Review status: criteria provided, single submitter. Criteria: Ambry Variant Classification Scheme 2023. Collection method: clinical testing. Allele origin: germline.

Labcorp Genetics (formerly Invitae), Labcorp
Classification: Uncertain significance for Immunodeficiency, common variable, 7. Last evaluated: 2022-06-24. Review status: criteria provided, single submitter. Criteria: Invitae Variant Classification Sherloc (09022015). Collection method: clinical testing. Allele origin: germline.
Comment: This sequence change replaces lysine, which is basic and polar, with arginine, which is basic and polar, at codon 1059 of the CR2 protein (p.Lys1059Arg). This variant is present in population databases (rs550610388, gnomAD 0.01%). This variant has not been reported in the literature in individuals affected with CR2-related conditions. Algorithms developed to predict the effect of missense changes on protein structure and function output the following: SIFT: "Tolerated"; PolyPhen-2: "Benign"; Align-GVGD: "Class C0". The arginine amino acid residue is found in multiple mammalian species, which suggests that this missense change does not adversely affect protein function. In summary, the available evidence is currently insufficient to determine the role of this variant in disease. Therefore, it has been classified as a Variant of Uncertain Significance.